The following is an entry in ClinVar:

NM_001034853.2(RPGR):c.2736_2795del (p.Lys920_Gly939del)

Gene: RPGR (retinitis pigmentosa GTPase regulator; minus strand). Cytogenetic location: Xp11.4.
Variant type: Deletion.
Coding change: c.2736_2795del on transcript NM_001034853.2 (MANE Select); coding-DNA positions 2736 to 2795, 60 bases deleted.
Protein change: p.Lys920_Gly939del.
Molecular consequence: inframe deletion. On other transcripts: intron variant (8).
Genome position (GRCh38, 1-based): chrX:38,286,204-38,286,263, 60 bases deleted. GRCh37 (hg19): chrX:38,145,478-38,145,537.
Other names: c.1569+4696_1569+4755del (NM_001367249.1, NM_001367250.1); c.1902+831_1902+890del (NM_001367245.1); c.1386+4696_1386+4755del (NM_001367251.1); c.1719+831_1719+890del (NM_001367246.1); c.1572+4696_1572+4755del (NM_001367247.1); c.1905+831_1905+890del (NM_000328.3); c.1602+4696_1602+4755del (NM_001367248.1).
Identifiers: ClinVar variation 4985149 (VCV004985149.1).

ClinVar aggregate classification (germline): Likely benign (1 of 4 stars; one submission).

Conditions:
RPGR-related disorder. Also called: RPGR-related condition.

Submission:

PreventionGenetics, part of Exact Sciences
Classification: Likely benign for RPGR-related condition. Last evaluated: 2026-01-16. Review status: criteria provided, single submitter. Criteria: ACMG Guidelines, 2015. Collection method: clinical testing. Allele origin: germline.
Comment: This variant is classified as likely benign based on ACMG/AMP sequence variant interpretation guidelines (Richards et al. 2015 PMID: 25741868, with internal and published modifications).